The following is an entry in ClinVar:

NM_001042681.2(RERE):c.2483C>G (p.Pro828Arg)

Gene: RERE (arginine-glutamic acid dipeptide repeats; minus strand). Cytogenetic location: 1p36.23.
Variant type: single nucleotide variant.
Coding change: c.2483C>G on transcript NM_001042681.2 (MANE Select); coding-DNA position 2483, C replaced by G.
Protein change: p.Pro828Arg; replaces proline 828 with arginine.
Molecular consequence: missense variant.
Genome position (GRCh38, 1-based): chr1:8,361,024, G>C on the plus strand (C>G on the coding strand, the complement: RERE is on the minus strand). VCF-style: chr1-8361024-G-C. GRCh37 (hg19) VCF-style: chr1-8421084-G-C.
Other names: c.821C>G, p.Pro274Arg (NM_001042682.2); c.2483C>G, p.Pro828Arg (NM_012102.4); short protein forms P274R, P828R.
Identifiers: ClinVar variation 1314509 (VCV001314509.3), dbSNP rs923542726, ClinGen allele CA17695951.

ClinVar aggregate classification (germline): Uncertain significance. Review status: criteria provided, multiple submitters, no conflicts (2 of 4 stars). 2 submissions from 2 submitters: Uncertain significance (2). Last evaluated 2025-06-24.

Conditions:
Inborn genetic diseases. Identifiers: MedGen C0950123, MeSH D030342.

Allele frequency attached by ClinVar (database versions not stated): gnomAD exomes below 0.00001; TOPMed 0.00002; gnomAD 0.00003 and 0.00004.
gnomAD v4.1: 6 of 1,438,222 alleles (0.00042%); highest among the groups gnomAD compares: Admixed American, 0.0087%; no homozygotes.

Submissions (2):

Ambry Genetics
Classification: Uncertain significance for Inborn genetic diseases. Last evaluated: 2025-06-24. Review status: criteria provided, single submitter. Criteria: Ambry Variant Classification Scheme 2023. Collection method: clinical testing. Allele origin: germline.

GeneDx
Classification: Uncertain significance. Last evaluated: 2021-04-10. Review status: criteria provided, single submitter. Criteria: GeneDx Variant Classification Process June 2021. Collection method: clinical testing. Allele origin: germline. Affected: yes.
Comment: Not observed in large population cohorts (Lek et al., 2016); In silico analysis supports that this missense variant has a deleterious effect on protein structure/function; Has not been previously published as pathogenic or benign to our knowledge